The following is an entry in ClinVar:

ClinVar aggregate classification (germline): Pathogenic (1 of 4 stars; one submission).

Conditions:
Marfan Syndrome/Loeys-Dietz Syndrome/Familial Thoracic Aortic Aneurysms and Dissections. Identifiers: MedGen CN229799.

Submission:

Women's Health and Genetics/Laboratory Corporation of America, LabCorp
Classification: Pathogenic for Marfan Syndrome/Loeys-Dietz Syndrome/Familial Thoracic Aortic Aneurysms and Dissections. Last evaluated: 2025-03-18. Review status: criteria provided, single submitter. Criteria: LabCorp Variant Classification Summary - May 2015. Collection method: clinical testing. Allele origin: germline.
Comment: Variant summary: The variant involves the deletion of exons 59-66 in the FBN1 gene. The exact breakpoint at the distal 3' end of this variant is unknown, therefore this deletion may extend downstream of the annotated region of the gene. As it encompasses the termination codon, it is predicted to escape nonsense mediated decay (NMD). A presumed nomenclature of c.(7204+1_7205-1)_(*2678_?)del has been designated for the purposes of this classification. The variant was absent in 21692 control chromosomes. To our knowledge, no occurrence of c.(7204+1_7205-1)_(*2678_?)del in individuals affected with Marfan Syndrome and no experimental evidence demonstrating its impact on protein function have been reported. However, variants within the deleted region have been classified pathogenic (CV IDs 857658, 971524, 584073). No submitters have cited clinical-significance assessments for this variant to ClinVar. Based on the evidence outlined above, the variant was classified as pathogenic.

NC_000015.9:g.(?_48700509)_(48718062_48719763)del

Gene: FBN1 (fibrillin 1; minus strand). Cytogenetic location: 15q21.1.
Variant type: Deletion.
Identifiers: ClinVar variation 3895545 (VCV003895545.1).